The following is an entry in ClinVar:

NM_177438.3(DICER1):c.2870T>C (p.Leu957Pro)

Gene: DICER1 (dicer 1, ribonuclease III; minus strand). Cytogenetic location: 14q32.13.
Variant type: single nucleotide variant.
Coding change: c.2870T>C on transcript NM_177438.3 (MANE Select); coding-DNA position 2870, T replaced by C.
Protein change: p.Leu957Pro; replaces leucine 957 with proline.
Molecular consequence: missense variant. On other transcripts: non-coding transcript variant (6).
Genome position (GRCh38, 1-based): chr14:95,106,158, A>G on the plus strand (T>C on the coding strand, the complement: DICER1 is on the minus strand). VCF-style: chr14-95106158-A-G. GRCh37 (hg19) VCF-style: chr14-95572495-A-G.
Other names: c.2870T>C, p.Leu957Pro (NM_001195573.1, NM_001271282.3, NM_001291628.2 and 12 more transcripts); c.2588T>C, p.Leu863Pro (NM_001395686.1); c.2465T>C, p.Leu822Pro (NM_001395687.1, NM_001395688.1, NM_001395689.1 and 2 more transcripts); c.2303T>C, p.Leu768Pro (NM_001395691.1); c.1187T>C, p.Leu396Pro (NM_001395697.1); short protein forms L768P, L396P, L822P, L863P, L957P.
Identifiers: ClinVar variation 4746796 (VCV004746796.1).

ClinVar aggregate classification (germline): Uncertain significance (1 of 4 stars; one submission).

Conditions:
DICER1-related tumor predisposition. Also called: DICER1-related pleuropulmonary blastoma cancer predisposition syndrome; DICER1 syndrome. Identifiers: Orphanet 284343, MedGen C3839822, MONDO:0100216.

Submission:

Labcorp Genetics (formerly Invitae), Labcorp
Classification: Uncertain significance for DICER1-related tumor predisposition. Last evaluated: 2025-05-28. Review status: criteria provided, single submitter. Criteria: Invitae Variant Classification Sherloc (09022015). Collection method: clinical testing. Allele origin: germline.
Comment: This sequence change replaces leucine, which is neutral and non-polar, with proline, which is neutral and non-polar, at codon 957 of the DICER1 protein (p.Leu957Pro). This variant is not present in population databases (gnomAD no frequency). This variant has not been reported in the literature in individuals affected with DICER1-related conditions. Invitae Evidence Modeling of protein sequence and biophysical properties (such as structural, functional, and spatial information, amino acid conservation, physicochemical variation, residue mobility, and thermodynamic stability) indicates that this missense variant is not expected to disrupt DICER1 protein function with a negative predictive value of 95%. In summary, the available evidence is currently insufficient to determine the role of this variant in disease. Therefore, it has been classified as a Variant of Uncertain Significance.